The following is an entry in ClinVar:

NM_033400.3(ZFHX2):c.6409A>C (p.Ser2137Arg)

Genes: THTPA (thiamine triphosphatase; plus strand), ZFHX2 (zinc finger homeobox 2; minus strand). Cytogenetic location: 14q11.2.
Variant type: single nucleotide variant.
Coding change: c.6409A>C on transcript NM_033400.3 (MANE Select); coding-DNA position 6409, A replaced by C.
Protein change: p.Ser2137Arg; replaces serine 2137 with arginine.
Molecular consequence: missense variant.
Genome position (GRCh38, 1-based): chr14:23,523,533, T>G on the plus strand (A>C on the coding strand, the complement: ZFHX2 is on the minus strand). VCF-style: chr14-23523533-T-G. GRCh37 (hg19) VCF-style: chr14-23992742-T-G.
Other names: c.6409A>C (NM_033400.2); short protein forms S2137R.
Identifiers: ClinVar variation 1684252 (VCV001684252.4), dbSNP rs223124, ClinGen allele CA7116830.
Genomic context (GRCh38, chr14:23,523,533, plus strand): 5'-AATCATACTTGACATCACAATAGGGGCAGTCAGTGCGCTGGGCTGCTAAGAGGCCCTCAC[T>G]GCTGCCCCCAGTGCTCCCAGCGGCTGTCCCCTGTAGTTTGGCCTTCTTTTCCTTGGCACG-3'
Protein context (NP_207646.2, residues 2127-2147): GTAAGSTGGS[Ser2137Arg]EGLLAAQRTD

ClinVar aggregate classification (germline): Benign. Review status: criteria provided, multiple submitters, no conflicts (2 of 4 stars). 3 submissions from 3 submitters: Benign (2). 1 of the submissions does not count toward it. Last evaluated 2021-12-05.

Conditions:
Indifference to pain, congenital, autosomal dominant. Also called: CONGENITAL ANALGESIA, AUTOSOMAL DOMINANT. Identifiers: MedGen C4538468, OMIM 147430, MONDO:0007828.
ZFHX2-related disorder. Also called: ZFHX2-related condition.

Allele frequency attached by ClinVar (database versions not stated): gnomAD 0.24462; TOPMed 0.25856; 1000 Genomes Project 0.25459; 1000 Genomes Project 30x 0.25734.
gnomAD v4.1: 346,043 of 1,536,458 alleles (23%); highest among the groups gnomAD compares: Admixed American, 34%; 40,379 homozygotes.

Submissions (3):

Genome-Nilou Lab
Classification: Benign for Indifference to pain, congenital, autosomal dominant. Last evaluated: 2021-12-05. Review status: criteria provided, single submitter. Criteria: ACMG Guidelines, 2015. Collection method: clinical testing. Allele origin: germline. Affected: no.

Breakthrough Genomics
Classification: Benign. Review status: criteria provided, single submitter. Criteria: ACMG Guidelines, 2015. Collection method: not provided. Allele origin: germline. Inheritance: Autosomal dominant inheritance. Affected: yes.

PreventionGenetics, part of Exact Sciences
Classification: Benign for ZFHX2-related condition. Last evaluated: 2019-10-17. Review status: no assertion criteria provided. Collection method: clinical testing. Allele origin: germline. Not counted in ClinVar's aggregate classification.
Comment: This variant is classified as benign based on ACMG/AMP sequence variant interpretation guidelines (Richards et al. 2015 PMID: 25741868, with internal and published modifications).